The following is an entry in ClinVar:

NM_002691.4(POLD1):c.1727A>G (p.Glu576Gly)

Gene: POLD1 (DNA polymerase delta 1, catalytic subunit; plus strand). Cytogenetic location: 19q13.33.
Variant type: single nucleotide variant.
Coding change: c.1727A>G on transcript NM_002691.4 (MANE Select); coding-DNA position 1727, A replaced by G.
Protein change: p.Glu576Gly; replaces glutamic acid 576 with glycine.
Molecular consequence: missense variant. On other transcripts: non-coding transcript variant (1).
Genome position (GRCh38, 1-based): chr19:50,407,367, A>G. VCF-style: chr19-50407367-A-G. GRCh37 (hg19) VCF-style: chr19-50910624-A-G.
Other names: c.1727A>G, p.Glu576Gly (NM_001256849.1, NM_001308632.1); short protein forms E576G.
Identifiers: ClinVar variation 1369882 (VCV001369882.8), dbSNP rs2122344623, ClinGen allele CA406981251.
Genomic context (GRCh38, chr19:50,407,367, plus strand): 5'-CCCACCTTCTCCCCTCCCAGGCCATGCACGAGGGGCTGCTGATGCCCGTGGTGAAGTCAG[A>G]GGGCGGCGAGGACTACACGGGAGCCACTGTCATCGAGCCCCTCAAAGGGTGAGGCCCCAG-3'
Protein context (NP_002682.2, residues 566-586): EGLLMPVVKS[Glu576Gly]GGEDYTGATV

ClinVar aggregate classification (germline): Uncertain significance (1 of 4 stars; one submission).

Conditions:
POLD1-related polyposis and colorectal cancer syndrome (CRCS10). Also called: Colorectal cancer, susceptibility to, 10; Colorectal cancer 10; COLORECTAL CANCER, SUSCEPTIBILITY TO, ON CHROMOSOME 19q. Identifiers: Orphanet 220460, MedGen C2675481, MONDO:0012953, OMIM 612591.

Allele frequency attached by ClinVar (database versions not stated): gnomAD exomes below 0.00001.

Submission:

Labcorp Genetics (formerly Invitae), Labcorp
Classification: Uncertain significance for POLD1-related polyposis and colorectal cancer syndrome. Last evaluated: 2022-03-07. Review status: criteria provided, single submitter. Criteria: Invitae Variant Classification Sherloc (09022015). Collection method: clinical testing. Allele origin: germline.
Comment: This variant is not present in population databases (gnomAD no frequency). In summary, the available evidence is currently insufficient to determine the role of this variant in disease. Therefore, it has been classified as a Variant of Uncertain Significance. Algorithms developed to predict the effect of missense changes on protein structure and function are either unavailable or do not agree on the potential impact of this missense change (SIFT: "Deleterious"; PolyPhen-2: "Benign"; Align-GVGD: "Class C15"). This variant has not been reported in the literature in individuals affected with POLD1-related conditions. This sequence change replaces glutamic acid, which is acidic and polar, with glycine, which is neutral and non-polar, at codon 576 of the POLD1 protein (p.Glu576Gly).